The following is an entry in ClinVar:

NM_033159.4(HYAL1):c.440del (p.Tyr147fs)

Gene: HYAL1 (hyaluronidase 1; minus strand). Cytogenetic location: 3p21.31.
Variant type: Deletion.
Coding change: c.440del on transcript NM_033159.4 (MANE Select); coding-DNA position 440, one base deleted (A; older notation c.440delA).
Protein change: p.Tyr147fs; shifts the reading frame from tyrosine 147.
Molecular consequence: frameshift variant. On other transcripts: 5 prime UTR variant (1), non-coding transcript variant (1), intron variant (1).
Genome position (GRCh38, 1-based): chr3:50,302,517, T deleted on the plus strand (A on the coding strand, the reverse complement: HYAL1 is on the minus strand). VCF-style (leftmost placement, unchanged base first): chr3-50302516-GT-G. GRCh37 (hg19) VCF-style: chr3-50339947-GT-G.
Other names: c.440delA, p.Tyr147Serfs (NM_007312.3); c.440del, p.Tyr147fs (NM_153281.2, NM_153282.3); c.-107del (NM_153283.3); c.-26-312del (NM_153285.3); short protein forms Y147fs.
Identifiers: ClinVar variation 2115682 (VCV002115682.4), dbSNP rs2470851514, ClinGen allele CA2580070342.

ClinVar aggregate classification (germline): Pathogenic (1 of 4 stars; one submission).

Conditions:
Deficiency of hyaluronoglucosaminidase (MPS9). Also called: HYALURONIDASE DEFICIENCY; MPS IX; Mucopolysaccharidosis type 9. Identifiers: Orphanet 67041, MedGen C1291490, MONDO:0011093, OMIM 601492.

Allele frequency attached by ClinVar (database versions not stated): gnomAD exomes below 0.00001.

Submission:

Labcorp Genetics (formerly Invitae), Labcorp
Classification: Pathogenic for Deficiency of hyaluronoglucosaminidase. Last evaluated: 2022-03-21. Review status: criteria provided, single submitter. Criteria: Invitae Variant Classification Sherloc (09022015). Collection method: clinical testing. Allele origin: germline.
Comment: For these reasons, this variant has been classified as Pathogenic. This variant has not been reported in the literature in individuals affected with HYAL1-related conditions. This variant is not present in population databases (gnomAD no frequency). This sequence change creates a premature translational stop signal (p.Tyr147Serfs*24) in the HYAL1 gene. It is expected to result in an absent or disrupted protein product. Loss-of-function variants in HYAL1 are known to be pathogenic (PMID: 10339581, 21559944).

Literature cited by the submitters: PubMed 10339581; PubMed 21559944.